The following is an entry in ClinVar:

NM_030962.4(SBF2):c.2362A>T (p.Ser788Cys)

Genes: SBF2 (SET binding factor 2; minus strand), LOC101928008 (uncharacterized LOC101928008; plus strand). Cytogenetic location: 11p15.4.
Variant type: single nucleotide variant.
Coding change: c.2362A>T on transcript NM_030962.4 (MANE Select); coding-DNA position 2362, A replaced by T.
Protein change: p.Ser788Cys; replaces serine 788 with cysteine.
Molecular consequence: missense variant.
Genome position (GRCh38, 1-based): chr11:9,856,459, T>A on the plus strand (A>T on the coding strand, the complement: SBF2 is on the minus strand). VCF-style: chr11-9856459-T-A. GRCh37 (hg19) VCF-style: chr11-9878006-T-A.
Other names: c.2362A>T, p.Ser788Cys (NM_001386339.1); c.2233A>T, p.Ser745Cys (NM_001386342.1); short protein forms S788C, S745C.
Identifiers: ClinVar variation 424459 (VCV000424459.3), dbSNP rs1064796978, ClinGen allele CA16619421.
Genomic context (GRCh38, chr11:9,856,459, plus strand): 5'-AAGCCAAGACTGGCCCCAAGAAGAGTAGGAGGAGGGTCTGTGTGTTCACATTTTGGTACC[T>A]GTTTGTGACAATGCTGTTGCTTCCGCTCTCCCAGTCACCTGGCGCTGATGTTCTTAGGAG-3'
Protein context (NP_112224.1, residues 778-798): ESGSNSIVTN[Ser788Cys]IAGSVAESYD

ClinVar aggregate classification (germline): Uncertain significance (1 of 4 stars; one submission).

Submission:

GeneDx
Classification: Uncertain significance. Last evaluated: 2023-10-10. Review status: criteria provided, single submitter. Criteria: GeneDx Variant Classification Process June 2021. Collection method: clinical testing. Allele origin: germline. Affected: yes.
Comment: Not observed at significant frequency in large population cohorts (gnomAD); In silico analysis supports that this missense variant has a deleterious effect on protein structure/function; In silico analysis supports a deleterious effect on splicing; Has not been previously published as pathogenic or benign to our knowledge